The following is an entry in ClinVar:

NM_005633.4(SOS1):c.1859A>G (p.Asp620Gly)

Gene: SOS1 (SOS Ras/Rac guanine nucleotide exchange factor 1; minus strand). Cytogenetic location: 2p22.1.
Variant type: single nucleotide variant.
Coding change: c.1859A>G on transcript NM_005633.4 (MANE Select); coding-DNA position 1859, A replaced by G.
Protein change: p.Asp620Gly; replaces aspartic acid 620 with glycine.
Molecular consequence: missense variant.
Genome position (GRCh38, 1-based): chr2:39,014,846, T>C on the plus strand (A>G on the coding strand, the complement: SOS1 is on the minus strand). VCF-style: chr2-39014846-T-C. GRCh37 (hg19) VCF-style: chr2-39241987-T-C.
Other names: c.1838A>G, p.Asp613Gly (NM_001382394.1); c.1859A>G, p.Asp620Gly (NM_001382395.1); short protein forms D620G, D613G.
Identifiers: ClinVar variation 372675 (VCV000372675.1), dbSNP rs1057517918, ClinGen allele CA16042483.
Genomic context (GRCh38, chr2:39,014,846, plus strand): 5'-AGTTCTTGAGGTTTGCAAAAGGATCTGTATGTTGTAAGAAATGTCCGAACAAAATTGGGA[T>C]CTAAGAAGAAAAAGGAAAAATATCTTATTAAACTCTATGATTCAAAATGATTAAAACTGT-3'
Protein context (NP_005624.2, residues 610-630): IERLTYHMYA[Asp620Gly]PNFVRTFLTT

ClinVar aggregate classification (germline): Likely pathogenic (1 of 4 stars; one submission).

Submission:

GeneDx
Classification: Likely pathogenic. Last evaluated: 2015-09-19. Review status: criteria provided, single submitter. Criteria: GeneDx Variant Classification (06012015). Collection method: clinical testing. Allele origin: germline. Affected: yes.
Comment: The D620G variant in the SOS1 gene has not been published as a pathogenic variant, nor has it been reported as a benign polymorphism to our knowledge. The D620G variant was not observed in approximately 6500 individuals of European and African American ancestry in the NHLBI Exome Sequencing Project, indicating it is not a common benign variant in these populations. The D620G variant is a non-conservative amino acid substitution, which is likely to impact secondary protein structure as these residues differ in polarity, charge, size and/or other properties. This substitution occurs at a position that is conserved across species. However, in silico analysis is inconsistent in its predictions as to whether or not the variant is damaging to the protein structure/function. A missense variant in a nearby residue (F623I) has been reported in the Human Gene Mutation Database in association with Noonan syndrome (Stenson et al., 2014), supporting the functional importance of this region of the protein. The D620G variant is a strong candidate for a pathogenic variant, however the possibility it may be a rare benign variant cannot be excluded.